The following is an entry in ClinVar:

ClinVar aggregate classification (germline): Uncertain significance (1 of 4 stars; one submission).

Conditions:
Mitochondrial complex V (ATP synthase) deficiency, nuclear type 2. Also called: Nuclear-Encoded ATPase Deficiency, TMEM70-Related; ENCEPHALOCARDIOMYOPATHY, MITOCHONDRIAL, NEONATAL, DUE TO ATP SYNTHASE DEFICIENCY; MITOCHONDRIAL COMPLEX V (ATP SYNTHASE) DEFICIENCY, TMEM70 TYPE. Identifiers: Orphanet 1194, MedGen C3279699, MONDO:0013546, OMIM 614052.

Submission:

Labcorp Genetics (formerly Invitae), Labcorp
Classification: Uncertain significance for Mitochondrial complex V (ATP synthase) deficiency, nuclear type 2. Last evaluated: 2022-07-31. Review status: criteria provided, single submitter. Criteria: Invitae Variant Classification Sherloc (09022015). Collection method: clinical testing. Allele origin: germline.
Comment: In summary, the available evidence is currently insufficient to determine the role of this variant in disease. Therefore, it has been classified as a Variant of Uncertain Significance. This variant disrupts a region of the TMEM70 protein in which other variant(s) (p.His234Pro) have been observed in individuals with TMEM70-related conditions (PMID: 24485043). This suggests that this is a clinically significant region of the protein, and that variants that disrupt it are likely to be disease-causing. This variant has not been reported in the literature in individuals affected with TMEM70-related conditions. This variant is present in population databases (no rsID available, gnomAD 0.004%). This sequence change creates a premature translational stop signal (p.Val221Ilefs*14) in the TMEM70 gene. While this is not anticipated to result in nonsense mediated decay, it is expected to disrupt the last 40 amino acid(s) of the TMEM70 protein.

Literature cited by the submitters: PubMed 24485043.

NM_017866.6(TMEM70):c.661_664del (p.Val221fs)

Gene: TMEM70 (transmembrane protein 70; plus strand). Cytogenetic location: 8q21.11.
Variant type: Microsatellite.
Coding change: c.661_664del on transcript NM_017866.6 (MANE Select); coding-DNA positions 661 to 664, 4 bases deleted (GTTA; older notation c.661_664delGTTA).
Protein change: p.Val221fs; shifts the reading frame from valine 221.
Molecular consequence: frameshift variant. On other transcripts: 3 prime UTR variant (1), non-coding transcript variant (1).
Genome position (GRCh38, 1-based): chr8:73,981,499-73,981,502, GTTA deleted; deleting any 4 consecutive bases within chr8:73,981,495-73,981,502 gives the same sequence; the c. name uses the placement nearest the transcript's 3' end. VCF-style (leftmost placement, unchanged base first): chr8-73981494-TGTTA-T. GRCh37 (hg19) VCF-style: chr8-74893729-TGTTA-T.
Other names: c.*347GTTA[1] (NM_001040613.3); short protein forms V221fs.
Identifiers: ClinVar variation 1442395 (VCV001442395.8), dbSNP rs1398724262, ClinGen allele CA582881330.
Genomic context (GRCh38, chr8:73,981,494, plus strand): 5'-ATGTGAAGATTCCAGATGCTAAACATGTATTTACCACATTTTATGCTAAAACAAAATCAC[TGTTA>T]GTTAATCCAGTGCTCTTTCCAAACCGTGAAGACTATATCCATCTAATGGGTTATGACAAA-3'